The following is an entry in ClinVar:

NM_001099922.3(ALG13):c.2434A>G (p.Thr812Ala)

Gene: ALG13 (ALG13 UDP-N-acetylglucosaminyltransferase subunit; plus strand). Cytogenetic location: Xq23.
Variant type: single nucleotide variant.
Coding change: c.2434A>G on transcript NM_001099922.3 (MANE Select); coding-DNA position 2434, A replaced by G.
Protein change: p.Thr812Ala; replaces threonine 812 with alanine.
Molecular consequence: missense variant. On other transcripts: non-coding transcript variant (1).
Genome position (GRCh38, 1-based): chrX:111,730,557, A>G. VCF-style: chrX-111730557-A-G. GRCh37 (hg19) VCF-style: chrX-110973785-A-G.
Other names: c.2122A>G, p.Thr708Ala (NM_001257230.2, NM_001257234.2, NM_001257237.2); c.2200A>G, p.Thr734Ala (NM_001257231.2); c.2434A>G, p.Thr812Ala (NM_001324292.2); c.1948A>G, p.Thr650Ala (NM_001324293.1); short protein forms T812A, T734A, T650A, T708A.
Identifiers: ClinVar variation 218565 (VCV000218565.9), dbSNP rs781178409, ClinGen allele CA249074.
Genomic context (GRCh38, chrX:111,730,557, plus strand): 5'-CATTTTTTACTTTGGCTATATTCTCTAGAGCCAGACTATGAAACTTCAGGTGTTTATAGC[A>G]CAACTGCATCTACAGCAAACTTGGTAGGTATTTAATAATAGCAAAGAGTTATAGCTCCTA-3'
Protein context (NP_001093392.1, residues 802-822): PDYETSGVYS[Thr812Ala]TASTANLSLQ

ClinVar aggregate classification (germline): Conflicting classifications of pathogenicity. Review status: criteria provided, conflicting classifications (1 of 4 stars). 3 submissions from 3 submitters: Uncertain significance (2); Likely benign (1). Last evaluated 2024-01-29.

Conditions:
Developmental and epileptic encephalopathy, 36 (DEE36). Also called: Epileptic encephalopathy, early infantile, 36; Congenital disorder of glycosylation, type Is; ALG13-CDG. Identifiers: Orphanet 324422, MedGen C4317295, MONDO:0010472, OMIM 300884.

Allele frequency attached by ClinVar (database versions not stated): gnomAD exomes 0.00001; ExAC 0.00003.
gnomAD v4.1: 11 of 1,189,626 alleles (0.00092%); highest among the groups gnomAD compares: South Asian, 0.0055%; no homozygotes.

Submissions (3):

Labcorp Genetics (formerly Invitae), Labcorp
Classification: Likely benign for Developmental and epileptic encephalopathy, 36. Last evaluated: 2024-01-29. Review status: criteria provided, single submitter. Criteria: Invitae Variant Classification Sherloc (09022015). Collection method: clinical testing. Allele origin: germline.

GeneDx
Classification: Uncertain significance. Last evaluated: 2019-07-19. Review status: criteria provided, single submitter. Criteria: GeneDx Variant Classification Process June 2021. Collection method: clinical testing. Allele origin: germline. Affected: yes.
Comment: In silico analysis, which includes protein predictors and evolutionary conservation, supports that this variant does not alter protein structure/function; Has not been previously published as pathogenic or benign to our knowledge

Genomic Diagnostic Laboratory, Division of Genomic Diagnostics, Children's Hospital of Philadelphia
Classification: Uncertain significance. Last evaluated: 2015-06-05. Review status: criteria provided, single submitter. Criteria: DGD Variant Analysis Guidelines. Collection method: clinical testing. Allele origin: unknown.